The following is an entry in ClinVar:

NM_006516.4(SLC2A1):c.1408G>A (p.Gly470Arg)

Gene: SLC2A1 (solute carrier family 2 member 1; minus strand). Cytogenetic location: 1p34.2.
Variant type: single nucleotide variant.
Coding change: c.1408G>A on transcript NM_006516.4 (MANE Select); coding-DNA position 1408, G replaced by A.
Protein change: p.Gly470Arg; replaces glycine 470 with arginine.
Molecular consequence: missense variant.
Genome position (GRCh38, 1-based): chr1:42,927,112, C>T on the plus strand (G>A on the coding strand, the complement: SLC2A1 is on the minus strand). VCF-style: chr1-42927112-C-T. GRCh37 (hg19) VCF-style: chr1-43392783-C-T.
Other names: p.G470R:GGG>AGG; c.1408G>A (NM_006516.3); short protein forms G470R.
Identifiers: ClinVar variation 207215 (VCV000207215.16), dbSNP rs572648977, ClinGen allele CA318475.
Genomic context (GRCh38, chr1:42,927,112, plus strand): 5'-AATCAGCCCCCAGGGGATGGAACAGCTCCTCGGGTGTCTTGTCACTTTGGCTGGCTCCCC[C>T]CTGCCGGAAGCCGGAAGCGATCTCATCGAAGGTCCGGCCTTTAGTCTCAGGAACTTTGAA-3'
Protein context (NP_006507.2, residues 460-480): FDEIASGFRQ[Gly470Arg]GASQSDKTPE

ClinVar aggregate classification (germline): Uncertain significance. Review status: criteria provided, multiple submitters, no conflicts (2 of 4 stars). 8 submissions from 4 submitters: Uncertain significance (8). Last evaluated 2025-11-12.

Conditions:
Hereditary cryohydrocytosis with reduced stomatin. Also called: GLUT1 DEFICIENCY SYNDROME WITH PSEUDOHYPERKALEMIA AND HEMOLYSIS; Stomatin-deficient cryohydrocytosis with neurologic defects. Identifiers: Orphanet 168577, MedGen C1837206, MONDO:0012143, OMIM 608885.
Epilepsy, idiopathic generalized, susceptibility to, 12 (EIG12). Identifiers: MedGen C3553859, MONDO:0013919, OMIM 614847.
Childhood onset GLUT1 deficiency syndrome 2. Also called: GLUT1 deficiency syndrome 2; PxMD-SLC2A1; Exertion-induced paroxysmal dyskinesia; PAROXYSMAL EXERCISE-INDUCED DYSKINESIA WITH OR WITHOUT EPILEPSY AND/OR HEMOLYTIC ANEMIA; PAROXYSMAL EXERTION-INDUCED DYSTONIA WITH OR WITHOUT EPILEPSY AND/OR HEMOLYTIC ANEMIA; PED WITH OR WITHOUT EPILEPSY AND/OR HEMOLYTIC ANEMIA. Identifiers: Orphanet 98811, MedGen C1842534, MONDO:0012805, OMIM 612126.
Encephalopathy due to GLUT1 deficiency. Also called: GLUT1 deficiency syndrome 1, infantile onset, severe; GLUCOSE TRANSPORT DEFECT, BLOOD-BRAIN BARRIER; Classic Glucose Transporter Type 1 Deficiency Syndrome; De Vivo disease; GLUT1 deficiency syndrome 1; Glucose transporter protein syndrome. Identifiers: Orphanet 71277, MedGen C4551966, MONDO:0011724, OMIM 606777.
Dystonia 9 (DYT9). Also called: CHOREOATHETOSIS, KINESIGENIC, WITH EPISODIC ATAXIA AND SPASTICITY. Identifiers: Orphanet 53583, MedGen C1832855, MONDO:0010983, OMIM 601042.
GLUT1 deficiency syndrome 1, autosomal recessive. Identifiers: MedGen C3149117.

Allele frequency attached by ClinVar (database versions not stated): TOPMed 0.00002.
gnomAD v4.1: 30 of 1,614,060 alleles (0.0019%); highest among the groups gnomAD compares: East Asian, 0.0045%; no homozygotes.

Submissions (8):

Labcorp Genetics (formerly Invitae), Labcorp
Classification: Uncertain significance for GLUT1 deficiency syndrome 1, autosomal recessive. Last evaluated: 2025-11-12. Review status: criteria provided, single submitter. Criteria: Invitae Variant Classification Sherloc (09022015). Collection method: clinical testing. Allele origin: germline.
Comment: This sequence change replaces glycine, which is neutral and non-polar, with arginine, which is basic and polar, at codon 470 of the SLC2A1 protein (p.Gly470Arg). This variant is present in population databases (rs572648977, gnomAD 0.003%). This missense change has been observed in individual(s) with clinical features of SLC2A1-related conditions (PMID: 24215330, 25914049). ClinVar contains an entry for this variant (Variation ID: 207215). Invitae Evidence Modeling of protein sequence and biophysical properties (such as structural, functional, and spatial information, amino acid conservation, physicochemical variation, residue mobility, and thermodynamic stability) indicates that this missense variant is not expected to disrupt SLC2A1 protein function with a negative predictive value of 95%. In summary, the available evidence is currently insufficient to determine the role of this variant in disease. Therefore, it has been classified as a Variant of Uncertain Significance.

Genome-Nilou Lab
Classification: Uncertain significance for Epilepsy, idiopathic generalized, susceptibility to, 12. Last evaluated: 2023-04-11. Review status: criteria provided, single submitter. Criteria: ACMG Guidelines, 2015. Collection method: clinical testing. Allele origin: germline. Affected: no.

Genome-Nilou Lab
Classification: Uncertain significance for Dystonia 9. Last evaluated: 2023-04-11. Review status: criteria provided, single submitter. Criteria: ACMG Guidelines, 2015. Collection method: clinical testing. Allele origin: germline. Affected: no.

Genome-Nilou Lab
Classification: Uncertain significance for Encephalopathy due to GLUT1 deficiency. Last evaluated: 2023-04-11. Review status: criteria provided, single submitter. Criteria: ACMG Guidelines, 2015. Collection method: clinical testing. Allele origin: germline. Affected: no.

Genome-Nilou Lab
Classification: Uncertain significance for Childhood onset GLUT1 deficiency syndrome 2. Last evaluated: 2023-04-11. Review status: criteria provided, single submitter. Criteria: ACMG Guidelines, 2015. Collection method: clinical testing. Allele origin: germline. Affected: no.

Genome-Nilou Lab
Classification: Uncertain significance for Hereditary cryohydrocytosis with reduced stomatin. Last evaluated: 2023-04-11. Review status: criteria provided, single submitter. Criteria: ACMG Guidelines, 2015. Collection method: clinical testing. Allele origin: germline. Affected: no.

Revvity Omics, Revvity
Classification: Uncertain significance. Last evaluated: 2022-07-01. Review status: criteria provided, single submitter. Criteria: ACMG Guidelines, 2015. Collection method: clinical testing. Allele origin: germline.

GeneDx
Classification: Uncertain significance. Last evaluated: 2022-02-23. Review status: criteria provided, single submitter. Criteria: GeneDx Variant Classification Process June 2021. Collection method: clinical testing. Allele origin: germline. Affected: yes.
Comment: A different nucleotide substitution (c.1408 G>C) resulting in the G470R variant has been reported previously in an individual with epilepsy; however, information about parental testing was not provided, and functional characterization of the variant was not performed (Schoeler et al., 2015); In silico analysis supports that this missense variant does not alter protein structure/function; Not observed at significant frequency in large population cohorts (gnomAD); This variant is associated with the following publications: (PMID: 25914049)

Literature cited by the submitters: PubMed 24215330 (cited by Labcorp Genetics (formerly Invitae), Labcorp); PubMed 25914049 (cited by Labcorp Genetics (formerly Invitae), Labcorp).